The following is an entry in ClinVar:

NM_000195.5(HPS1):c.284A>G (p.Asn95Ser)

Gene: HPS1 (HPS1 biogenesis of lysosomal organelles complex 3 subunit 1; minus strand). Cytogenetic location: 10q24.2.
Variant type: single nucleotide variant.
Coding change: c.284A>G on transcript NM_000195.5 (MANE Select); coding-DNA position 284, A replaced by G.
Protein change: p.Asn95Ser; replaces asparagine 95 with serine.
Molecular consequence: missense variant. On other transcripts: 5 prime UTR variant (2), intron variant (7).
Genome position (GRCh38, 1-based): chr10:98,435,386, T>C on the plus strand (A>G on the coding strand, the complement: HPS1 is on the minus strand). VCF-style: chr10-98435386-T-C. GRCh37 (hg19) VCF-style: chr10-100195143-T-C.
Other names: c.-633A>G (NM_001311345.2); c.284A>G, p.Asn95Ser (NM_001322476.2, NM_001322477.2, NM_001322478.2 and 5 more transcripts); c.-732A>G (NM_001322487.2); c.29+249A>G (NM_001322483.2, NM_001322485.2, NM_001322484.2); c.255+249A>G (NM_001322480.2, NM_001322482.2, NM_001322481.2); c.-519+249A>G (NM_001322489.2); c.284A>G (NM_000195.3); short protein forms N95S.
Identifiers: ClinVar variation 1387826 (VCV001387826.4), dbSNP rs765849304, ClinGen allele CA5639446.
Genomic context (GRCh38, chr10:98,435,386, plus strand): 5'-AGGTACTTGAGCACATACAGCTTCCGCCGCAGGTCCCCCTCGCTCTCGGTGTGGTCACCA[T>C]TGATGGCAATGAACAGGCATTCTCCAAACTGCAGGCACAGGCAGGCCAGTGTCAGCCAGC-3'
Protein context (NP_000186.2, residues 85-105): LFGECLFIAI[Asn95Ser]GDHTESEGDL

ClinVar aggregate classification (germline): Uncertain significance. Review status: criteria provided, multiple submitters, no conflicts (2 of 4 stars). 2 submissions from 2 submitters: Uncertain significance (2). Last evaluated 2023-12-27.

Conditions:
Inborn genetic diseases. Identifiers: MedGen C0950123, MeSH D030342.

Allele frequency attached by ClinVar (database versions not stated): ExAC 0.00001; gnomAD exomes 0.00001 and 0.00003; gnomAD 0.00003; TOPMed 0.00003.
gnomAD v4.1: 44 of 1,613,842 alleles (0.0027%); highest among the groups gnomAD compares: Non-Finnish European, 0.0036%; no homozygotes.

Submissions (2):

Ambry Genetics
Classification: Uncertain significance for Inborn genetic diseases. Last evaluated: 2023-12-27. Review status: criteria provided, single submitter. Criteria: Ambry Variant Classification Scheme 2023. Collection method: clinical testing. Allele origin: germline.

Labcorp Genetics (formerly Invitae), Labcorp
Classification: Uncertain significance. Last evaluated: 2021-11-27. Review status: criteria provided, single submitter. Criteria: Invitae Variant Classification Sherloc (09022015). Collection method: clinical testing. Allele origin: germline.
Comment: This sequence change replaces asparagine, which is neutral and polar, with serine, which is neutral and polar, at codon 95 of the HPS1 protein (p.Asn95Ser). This variant is present in population databases (rs765849304, gnomAD 0.002%). This variant has not been reported in the literature in individuals affected with HPS1-related conditions. Algorithms developed to predict the effect of missense changes on protein structure and function (SIFT, PolyPhen-2, Align-GVGD) all suggest that this variant is likely to be tolerated. Algorithms developed to predict the effect of sequence changes on RNA splicing suggest that this variant may create or strengthen a splice site. In summary, the available evidence is currently insufficient to determine the role of this variant in disease. Therefore, it has been classified as a Variant of Uncertain Significance.